The following is an entry in ClinVar:

ClinVar aggregate classification (germline): Uncertain significance. Review status: criteria provided, multiple submitters, no conflicts (2 of 4 stars). 2 submissions from 2 submitters: Uncertain significance (2). Last evaluated 2023-04-24.

Conditions:
Inborn genetic diseases. Identifiers: MedGen C0950123, MeSH D030342.

Allele frequency attached by ClinVar (database versions not stated): TOPMed 0.00001; gnomAD 0.00002; gnomAD exomes 0.00003; ESP Exome Variant Server 0.00008; ExAC 0.00010; 1000 Genomes Project 30x 0.00016.

Submissions (2):

Labcorp Genetics (formerly Invitae), Labcorp
Classification: Uncertain significance. Last evaluated: 2023-04-24. Review status: criteria provided, single submitter. Criteria: Invitae Variant Classification Sherloc (09022015). Collection method: clinical testing. Allele origin: germline.
Comment: In summary, the available evidence is currently insufficient to determine the role of this variant in disease. Therefore, it has been classified as a Variant of Uncertain Significance. An algorithm developed to predict the effect of missense changes on protein structure and function (PolyPhen-2) suggests that this variant is likely to be tolerated. ClinVar contains an entry for this variant (Variation ID: 1926109). This variant has not been reported in the literature in individuals affected with AMHR2-related conditions. This variant is present in population databases (rs142064656, gnomAD 0.01%). This sequence change replaces arginine, which is basic and polar, with threonine, which is neutral and polar, at codon 545 of the AMHR2 protein (p.Arg545Thr).

Ambry Genetics
Classification: Uncertain significance for Inborn genetic diseases. Last evaluated: 2021-08-02. Review status: criteria provided, single submitter. Criteria: Ambry Variant Classification Scheme 2023. Collection method: clinical testing. Allele origin: germline.

NM_020547.3(AMHR2):c.1634G>C (p.Arg545Thr)

Gene: AMHR2 (anti-Mullerian hormone receptor type 2; plus strand). Cytogenetic location: 12q13.13.
Variant type: single nucleotide variant.
Coding change: c.1634G>C on transcript NM_020547.3 (MANE Select); coding-DNA position 1634, G replaced by C.
Protein change: p.Arg545Thr; replaces arginine 545 with threonine.
Molecular consequence: missense variant. On other transcripts: 3 prime UTR variant (1).
Genome position (GRCh38, 1-based): chr12:53,431,385, G>C. VCF-style: chr12-53431385-G-C. GRCh37 (hg19) VCF-style: chr12-53825169-G-C.
Other names: c.*193G>C (NM_001164690.2); c.1349G>C, p.Arg450Thr (NM_001164691.2); short protein forms R450T, R545T.
Identifiers: ClinVar variation 1926109 (VCV001926109.6), dbSNP rs142064656, ClinGen allele CA6600660.